The following is an entry in ClinVar:

ClinVar aggregate classification (germline): Conflicting classifications of pathogenicity. Review status: criteria provided, conflicting classifications (1 of 4 stars). 7 submissions from 7 submitters: Likely pathogenic (4); Uncertain significance (3). Last evaluated 2025-10-24.

Conditions:
Dyskeratosis congenita. Identifiers: Orphanet 1775, MedGen C0265965, MONDO:0015780.
TERT-related disorder. Also called: TERT-related condition; TERT-related disorders.
Pulmonary fibrosis and/or bone marrow failure, Telomere-related, 1. Also called: PULMONARY FIBROSIS AND/OR BONE MARROW FAILURE SYNDROME, TELOMERE-RELATED, 1. Identifiers: Orphanet 88, MedGen C3553617, MONDO:0013878, OMIM 614742.
Interstitial lung disease 2 (ILD2). Also called: FIBROCYSTIC PULMONARY DYSPLASIA; FIBROSING ALVEOLITIS, CRYPTOGENIC; Familial idiopathic pulmonary fibrosis. Identifiers: Orphanet 2032, Orphanet 79126, MedGen C5561926, MONDO:0800497, OMIM 178500, MONDO:0800029.
Dyskeratosis congenita, autosomal dominant 2. Identifiers: MedGen C3151443, MONDO:0013521, OMIM 613989.
Idiopathic Pulmonary Fibrosis. Also called: Idiopathic fibrosing alveolitis, chronic form; idiopathic fibrosing alveolitis. Identifiers: Orphanet 2032, MedGen C1800706, MeSH D054990, MONDO:0800504.

Allele frequency attached by ClinVar (database versions not stated): gnomAD exomes below 0.00001; gnomAD 0.00001; TOPMed 0.00002.
gnomAD v4.1: 8 of 1,613,802 alleles (0.0005%); highest among the groups gnomAD compares: Admixed American, 0.0017%; no homozygotes.

Submissions (7):

Ambry Genetics
Classification: Uncertain significance for Dyskeratosis congenita. Last evaluated: 2025-10-24. Review status: criteria provided, single submitter. Criteria: Ambry Variant Classification Scheme 2023. Collection method: clinical testing. Allele origin: germline.
Comment: The p.R951W variant (also known as c.2851C>T), located in coding exon 12 of the TERT gene, results from a C to T substitution at nucleotide position 2851. The arginine at codon 951 is replaced by tryptophan, an amino acid with dissimilar properties. This variant was reported in individual(s) with features consistent with TERT related disorder (Diaz de Leon A et al. PLoS One, 2010 May;5:e10680; Reilly CR et al. Blood, 2021 Sep;138:898-911; G&uuml;zel N et al. Blood Cancer J, 2025 Aug;15:142; Ambry internal data). In an assay testing TERT function, this variant showed a functionally abnormal result (Reilly CR et al. Blood, 2021 Sep;138:898-911). This amino acid position is not well conserved in available vertebrate species. In addition, the in silico prediction for this alteration is inconclusive. Based on the available evidence, the clinical significance of this variant remains unclear.

Labcorp Genetics (formerly Invitae), Labcorp
Classification: Likely pathogenic for Dyskeratosis congenita, autosomal dominant 2; Idiopathic Pulmonary Fibrosis. Last evaluated: 2025-08-14. Review status: criteria provided, single submitter. Criteria: Invitae Variant Classification Sherloc (09022015). Collection method: clinical testing. Allele origin: germline.
Comment: This sequence change replaces arginine, which is basic and polar, with tryptophan, which is neutral and slightly polar, at codon 951 of the TERT protein (p.Arg951Trp). This variant is present in population databases (rs370445231, gnomAD 0.0009%). This missense change has been observed in individual(s) with a TERT-related condition (PMID: 20502709, 34019641). It has also been observed to segregate with disease in related individuals. ClinVar contains an entry for this variant (Variation ID: 836202). Invitae Evidence Modeling of protein sequence and biophysical properties (such as structural, functional, and spatial information, amino acid conservation, physicochemical variation, residue mobility, and thermodynamic stability) indicates that this missense variant is expected to disrupt TERT protein function with a positive predictive value of 95%. Experimental studies have shown that this missense change affects TERT function (PMID: 20502709, 34019641). In summary, the currently available evidence indicates that the variant is pathogenic, but additional data are needed to prove that conclusively. Therefore, this variant has been classified as Likely Pathogenic.

Victorian Clinical Genetics Services, Murdoch Childrens Research Institute
Classification: Likely pathogenic for Pulmonary fibrosis and/or bone marrow failure, Telomere-related, 1. Last evaluated: 2025-07-18. Review status: criteria provided, single submitter. Criteria: ACMG Guidelines, 2015. Collection method: clinical testing. Allele origin: germline. Affected: yes.
Comment: This variant is classified as Likely pathogenic. Evidence in support of pathogenic classification: Variant is present in gnomAD <0.01 (v4: 8 heterozygote(s), 0 homozygote(s)); This variant has moderate previous evidence of pathogenicity in unrelated individuals. This variant has been classified as a VUS and as likely pathogenic by clinical laboratories in ClinVar, and reported as heterozygous in the literature in two families with pulmonary fibrosis and/or blood dyscrasia (PMID: 20502709), an individual with myelodysplastic syndrome (PMID: 34019641), and an individual with hypersensitivity pneumonitis (PMID: 31268371); This variant has limited evidence for segregation with disease. This variant has been shown to segregate with pulmonary fibrosis or blood dyscrasia in at least one family (PMID: 20502709); Clinically accredited laboratory assay shows abnormal function of product not specific to the gene. The telomere length for this individual is below the normal range for their age, less than the lower 1st percentile (Peter MacCallum Cancer Centre, personal communication). In addition, in vitro studies showed this variant reduced telomerase activity (PMID: 20502709), and severely impaired telomere elongation capacity (PMID: 34019641). Additional information: Variant is predicted to result in a missense amino acid change from Arg to Trp; This variant is heterozygous; This gene is associated with both recessive and dominant disease. No specific genotype-phenotype correlations have been established (PMID: 20301779); Alternative amino acid change(s) at the same position are present in gnomAD (Highest allele count: v4: 18 heterozygote(s), 0 homozygote(s)); Another missense variant(s) comparable to the one identified in this case has inconclusive previous evidence for pathogenicity. p.(Arg951Gln) has been classified as a VUS and as likely benign by clinical laboratories in ClinVar; Variant is located in the annotated C-terminal extension domain (PMID: 34019641); Missense variant with inconclusive in silico prediction and uninformative conservation; Loss of function is a known mechanism of disease in this gene and is associated with autosomal dominant dyskeratosis congenita 2 and autosomal recessive dyskeratosis congenita 4 (MIM#613989) and telomere-related pulmonary fibrosis and/or bone marrow failure 1 (MIM#614742); Variants in this gene are known to have variable expressivity. Phenotypic variability is well reported for dyskeratosis congenita (OMIM, PMID: 20301779); Inheritance information for this variant is not currently available in this individual.

Mayo Clinic Laboratories, Mayo Clinic
Classification: Likely pathogenic. Last evaluated: 2025-05-20. Review status: criteria provided, single submitter. Criteria: ACMG Guidelines, 2015. Collection method: clinical testing. Allele origin: germline. Observed: 1 variant allele.
Comment: PP1_strong, PP2, PP4, PM2_supporting, PS3_moderate

Department of Human Genetics, Hannover Medical School
Classification: Uncertain significance for Pulmonary fibrosis and/or bone marrow failure, Telomere-related, 1. Last evaluated: 2025-04-02. Review status: criteria provided, single submitter. Criteria: ACMG Guidelines, 2015. Collection method: clinical testing. Allele origin: germline. Affected: yes.
Comment: ACMG: PM2_Supporting, PP1_Strong

PreventionGenetics, part of Exact Sciences
Classification: Uncertain significance for TERT-related condition. Last evaluated: 2022-11-18. Review status: criteria provided, single submitter. Criteria: ACMG Guidelines, 2015. Collection method: clinical testing. Allele origin: germline.
Comment: The TERT c.2851C>T variant is predicted to result in the amino acid substitution p.Arg951Trp. This variant has been previously reported in individuals with personal and/or family history of idiopathic pulmonary fibrosis (Diaz de Leon et al. 2010. PubMed ID: 20502709; Newton et al. 2016. PubMed ID: 27540018; Ley et al. 2019. PubMed ID: 31268371). Functional studies demonstrated reduced telomerase activity (Diaz de Leon et al. 2010. PubMed ID: 20502709), and association with shortened telomere length (age and ancestry adjusted, Table E4, Ley et al. 2019. PubMed ID: 31268371). The c.2851C>T (p.Arg951Trp) variant was also identified in a cohort of individuals with myelodysplastic syndrome and reported as a variant of uncertain significance (Table 1, Reilly et al. 2021. PubMed ID: 34019641). This variant is reported in 0.00088% of alleles in individuals of European (Non-Finnish) descent in gnomAD. Although we suspect that this variant may be pathogenic, at this time, its clinical significance is uncertain due to the absence of conclusive functional and genetic evidence.

Dept. Genetics and Cancer, Menzies Institute for Medical Research, University of Tasmania
Classification: Likely pathogenic for Idiopathic Pulmonary Fibrosis. Last evaluated: 2022-05-24. Review status: criteria provided, single submitter. Criteria: ACMG Guidelines, 2015. Collection method: research. Allele origin: germline. Affected: yes. Observed: 3 variant alleles.
Comment: Likely Pathogenic - PM1_supporting, PM2_supporting, PS3_supporting, PP1_strong, PP2_supporting and PP4_supporting The substitution of cytosine to a thymine at the nucleotide position 2851 results in the substitution of an arginine to a tryptophan at amino acid 951 in telomerase (TERT c.2851C>T p.R951W; NM_198253). PM1_supporting: the variant is located in a well-established functional domain, the CTE domain, which forms part of the interactive site and directly interacts with TERC. PM2_supporting: the variant is absent/near absent in population databases (1/124,719 individuals in gnomAD), noting that PS4 cannot be applied without evaluation in a case-control dataset. PS3_supporting: well-established in vitro functional studies are supporting of the variant damaging telomerase function with the PCR-based telomere repeat amplification protocol (PMID:20502709) demonstrating impaired function and most particularly, the telomere elongation assay (PMID:34019641), demonstrating severe impairment. PP1_strong: We observed this variant in the heterozygous state, co-segregating with familial idiopathic pulmonary fibrosis in a Caucasian family consisting of three affected individuals and one affected obligate carrier (3 meioses). This variant has also been reported in the literature in several studies. One report included two unrelated families with familial ILD of unspecified ethnicity (PMID:20502709), in one family the variant segregated was identified in two siblings with pulmonary fibrosis (1 meiosis), while in the second family the variant segregated co-segregated with either pulmonary fibrosis or blood dyscrasia in four family members, with an additional obligate carrier (4 meioses). Direct communication with the laboratory has confirmed these reports represent either the same individuals or additional affected family members that were recruited from the families reported in PMID:20502709, however without further information we must assume they are the same individuals. Based on this, the variant co-segregates with pulmonary fibrosis/ blood dyscrasia in three families, with a total of 11 affected individuals and 8 meiosis (our study and PMID:20502709), though this is likely to be an underestimate. PP2_supporting: heterozygous missense variants in telomerase and associated proteins are a common mechanism of telomerase-associated diseases such as: pulmonary fibrosis, dyskeratosis congenita (autosomal dominant form), hematologic disorders and liver cirrhosis. PP4_supporting: the family included in our study have both a family history and phenotypic features consistent with telomerase-associated familial idiopathic pulmonary fibrosis. Furthermore, all reports of the TERT p.R951W variant in the literature also shows co-segregation with a telomerase-associated phenotypes, most commonly, pulmonary fibrosis. Noting that neither PP3 or BP4 have been applied as there is conflicting evidence, for example: CADD = 19.7; while REVEL = 0.3899. In conclusion, this variant has been classified as likely pathogenic.

Literature cited by the submitters: PubMed 20502709 (cited by 4 submitters); PubMed 28495683 (cited by Ambry Genetics); PubMed 31268371 (cited by 3 submitters); PubMed 34019641 (cited by 4 submitters); PubMed 40854872 (cited by Ambry Genetics); PubMed 20301779 (cited by Victorian Clinical Genetics Services, Murdoch Childrens Research Institute).

NM_198253.3(TERT):c.2851C>T (p.Arg951Trp)

Gene: TERT (telomerase reverse transcriptase; minus strand). Cytogenetic location: 5p15.33.
Variant type: single nucleotide variant.
Coding change: c.2851C>T on transcript NM_198253.3 (MANE Select); coding-DNA position 2851, C replaced by T.
Protein change: p.Arg951Trp; replaces arginine 951 with tryptophan.
Molecular consequence: missense variant. On other transcripts: non-coding transcript variant (2).
Genome position (GRCh38, 1-based): chr5:1,260,593, G>A on the plus strand (C>T on the coding strand, the complement: TERT is on the minus strand). VCF-style: chr5-1260593-G-A. GRCh37 (hg19) VCF-style: chr5-1260708-G-A.
Other names: p.Arg951Trp; c.2662C>T, p.Arg888Trp (NM_001193376.3); short protein forms R888W, R951W.
Identifiers: ClinVar variation 836202 (VCV000836202.16), dbSNP rs370445231, ClinGen allele CA3184355.